The following is an entry in ClinVar:

NM_002067.5(GNA11):c.376C>T (p.His126Tyr)

Gene: GNA11 (G protein subunit alpha 11; plus strand). Cytogenetic location: 19p13.3.
Variant type: single nucleotide variant.
Coding change: c.376C>T on transcript NM_002067.5 (MANE Select); coding-DNA position 376, C replaced by T.
Protein change: p.His126Tyr; replaces histidine 126 with tyrosine.
Molecular consequence: missense variant.
Genome position (GRCh38, 1-based): chr19:3,113,384, C>T. VCF-style: chr19-3113384-C-T. GRCh37 (hg19) VCF-style: chr19-3113382-C-T.
Other names: short protein forms H126Y.
Identifiers: ClinVar variation 2957574 (VCV002957574.3), dbSNP rs2145318599, ClinGen allele CA403306142.
Genomic context (GRCh38, chr19:3,113,384, plus strand): 5'-TCGCAGGCCAATGCGCTCCTGATCCGGGAGGTGGACGTGGAGAAGGTGACCACCTTCGAG[C>T]ATCAGTACGTCAGTGCCATCAAGACCCTGTGGGAGGACCCGGGCATCCAGGAATGCTACG-3'
Protein context (NP_002058.2, residues 116-136): VDVEKVTTFE[His126Tyr]QYVSAIKTLW

ClinVar aggregate classification (germline): Uncertain significance (1 of 4 stars; one submission).

Submission:

Labcorp Genetics (formerly Invitae), Labcorp
Classification: Uncertain significance. Last evaluated: 2023-06-24. Review status: criteria provided, single submitter. Criteria: Invitae Variant Classification Sherloc (09022015). Collection method: clinical testing. Allele origin: germline.
Comment: In summary, the available evidence is currently insufficient to determine the role of this variant in disease. Therefore, it has been classified as a Variant of Uncertain Significance. Advanced modeling of protein sequence and biophysical properties (such as structural, functional, and spatial information, amino acid conservation, physicochemical variation, residue mobility, and thermodynamic stability) performed at Invitae indicates that this missense variant is not expected to disrupt GNA11 protein function. This variant has not been reported in the literature in individuals affected with GNA11-related conditions. This variant is not present in population databases (gnomAD no frequency). This sequence change replaces histidine, which is basic and polar, with tyrosine, which is neutral and polar, at codon 126 of the GNA11 protein (p.His126Tyr).